The following is an entry in ClinVar:

ClinVar aggregate classification (germline): Benign (1 of 4 stars; one submission).

Conditions:
Ellis-van Creveld syndrome (EVC). Also called: EVC-Related Ellis-van Creveld Syndrome; EVC2-Related Ellis-van Creveld Syndrome; MESOECTODERMAL DYSPLASIA; Chondroectodermal dysplasia. Identifiers: Orphanet 289, MedGen C0013903, MONDO:0009162, OMIM 225500.

Allele frequency attached by ClinVar (database versions not stated): 1000 Genomes Project 0.00439; 1000 Genomes Project 30x 0.00500; TOPMed 0.01393; gnomAD 0.01778.

Submission:

Illumina Laboratory Services, Illumina
Classification: Benign for Ellis-van Creveld syndrome. Last evaluated: 2018-01-13. Review status: criteria provided, single submitter. Criteria: ICSL Variant Classification Criteria 13 December 2019. Collection method: clinical testing. Allele origin: germline.
Comment: This variant was observed in the ICSL laboratory as part of a predisposition screen in an ostensibly healthy population. It had not been previously curated by ICSL or reported in the Human Gene Mutation Database (HGMD: prior to June 1st, 2018), and was therefore a candidate for classification through an automated scoring system. Utilizing variant allele frequency, disease prevalence and penetrance estimates, and inheritance mode, an automated score was calculated to assess if this variant is too frequent to cause the disease. Based on the score and internal cut-off values, a variant classified as benign is not then subjected to further curation. The score for this variant resulted in a classification of benign for this disease.

NM_153717.3(EVC):c.*2277G>C

Gene: EVC (EvC ciliary complex subunit 1; plus strand). Cytogenetic location: 4p16.2.
Variant type: single nucleotide variant.
Coding change: c.*2277G>C on transcript NM_153717.3 (MANE Select); 2277 bases downstream of the stop codon, G replaced by C.
Molecular consequence: 3 prime UTR variant.
Genome position (GRCh38, 1-based): chr4:5,813,314, G>C. VCF-style: chr4-5813314-G-C. GRCh37 (hg19) VCF-style: chr4-5815041-G-C.
Other names: c.*2277G>C (NM_001306090.2).
Identifiers: ClinVar variation 349267 (VCV000349267.5), dbSNP rs28452978, ClinGen allele CA10621419.